The following is an entry in ClinVar:

ClinVar aggregate classification (germline): Pathogenic. Review status: criteria provided, multiple submitters, no conflicts (2 of 4 stars). 11 submissions from 11 submitters: Pathogenic (8). 3 of the submissions do not count toward it. Last evaluated 2025-12-06.

Conditions:
FOXE3-related disorder. Also called: FOXE3-related condition.
Irido-corneo-trabecular dysgenesis (ASGD5). Also called: ANTERIOR SEGMENT DYSGENESIS 5. Identifiers: Orphanet 708, MedGen C0344559, MONDO:0011414, OMIM 604229, HP:0000659.
Congenital primary aphakia. Also called: ANTERIOR SEGMENT DYSGENESIS 2; Anterior segment dysgenesis 2, multiple subtypes. Identifiers: Orphanet 83461, MedGen C1853230, MONDO:0012456, OMIM 610256.
Anterior segment dysgenesis. Also called: Ocular anterior segment dysgenesis. Identifiers: Orphanet 88632, MedGen C1862839, MONDO:0019503, HP:0007700.

Allele frequency attached by ClinVar (database versions not stated): gnomAD 0.00001; gnomAD exomes 0.00016; ExAC 0.00026.
gnomAD v4.1: 22 of 1,321,262 alleles (0.0017%); highest among the groups gnomAD compares: South Asian, 0.039%; 1 homozygote.

Submissions (11):

GeneDx
Classification: Pathogenic. Last evaluated: 2025-12-06. Review status: criteria provided, single submitter. Criteria: GeneDx Variant Classification Process June 2021. Collection method: clinical testing. Allele origin: germline. Affected: yes.
Comment: Published functional studies demonstrate that C240X variant leads to a decrease in the expression of downstream target gene expression (PMID: 27218149); Nonsense variant predicted to result in protein truncation, as the last 80 amino acids are lost, and other loss-of-function variants have been reported downstream in HGMD; This variant is associated with the following publications: (PMID: 20361012, 16826526, 20140963, 24033328, 27218149, 32499604, 37644014, 37628625, 35051625, 34046667)

Genetics Department, University Hospital of Toulouse
Classification: Pathogenic for Irido-corneo-trabecular dysgenesis. Last evaluated: 2025-10-05. Review status: criteria provided, single submitter. Criteria: ACMG Guidelines, 2015. Collection method: clinical testing. Allele origin: paternal. Observed: 2 variant alleles.
Comment: The NM_012186.3:c.720C>A p.(Cys240*) variant is pathogenic according to ACMG criterias. Moreover, loss-of-function variants in this gene, such as the one identified here, are more commonly associated with recessive inheritance. WGS did not identify any other variant in the gene.

Variantyx, Inc.
Classification: Pathogenic for Congenital primary aphakia. Last evaluated: 2025-07-20. Review status: criteria provided, single submitter. Criteria: Variantyx Assertion Criteria 2022. Collection method: clinical testing. Allele origin: germline. Inheritance: Autosomal recessive inheritance. Affected: yes.
Comment: This is a nonsense variant in the FOXE3 gene (OMIM: 601094). Pathogenic variants in this gene have been associated with autosomal recessive anterior segment dysgenesis 2. This variant introduces a premature termination codon in exon 1 out of 1 and is expected to result in loss of function, which is a known disease mechanism for FOXE3 in this disorder (PMID: 34046667) (PVS1). It has a 0.0392% maximum allele frequency in non-founder control populations (PM2). Based on the current evidence, this variant is classified as pathogenic for autosomal recessive anterior segment dysgenesis 2.

Genomic Medicine Center of Excellence, King Faisal Specialist Hospital and Research Centre
Classification: Pathogenic for Congenital primary aphakia. Last evaluated: 2024-03-29. Review status: criteria provided, single submitter. Criteria: ACMG Guidelines, 2015. Collection method: clinical testing. Allele origin: germline.

CeGaT Center for Human Genetics Tuebingen
Classification: Pathogenic. Last evaluated: 2023-03-01. Review status: criteria provided, single submitter. Criteria: CeGaT Center For Human Genetics Tuebingen Variant Classification Criteria Version 2. Collection method: clinical testing. Allele origin: germline. Affected: yes. Observed: 3 variant alleles.
Comment: FOXE3: PVS1:Strong, PM2, PM3, PP1, PP4

Victorian Clinical Genetics Services, Murdoch Childrens Research Institute
Classification: Pathogenic for Congenital primary aphakia. Last evaluated: 2022-09-02. Review status: criteria provided, single submitter. Criteria: ACMG Guidelines, 2015. Collection method: clinical testing. Allele origin: germline. Inheritance: Autosomal recessive inheritance. Affected: yes.
Comment: Based on the classification scheme VCGS_Germline_v1.3.4, this variant is classified as Pathogenic. Following criteria are met: 0102 - Loss of function is a known mechanism of disease in this gene and is associated with anterior segment dysgenesis 2, multiple subtypes (MIM#610256). (I) 0108 - This gene is associated with both recessive and dominant disease. This gene is associated with autosomal recessive anterior segment dysgenesis 2, multiple subtypes (MIM#610256) and there are also many reports of a less severe autosomal dominant eye phenotype involving Peter's anomaly and other ocular dysgenesis (PMIDs: 16826526, 20361012, OMIM). Autosomal dominant aortic aneurysm, familial thoracic 11 (MIM#617349) has also been reported in several families but this association is currently uncertain (PMID: 20301299, OMIM). (I) 0205 - Variant is predicted to result in a truncated protein (premature termination codon is NOT located at least 54 nucleotides upstream of the final exon-exon junction) with less than 1/3 of the protein sequence affected. (SP) 0252 - This variant is homozygous. (I) 0304 - Variant is present in gnomAD (v2) <0.01 for a recessive condition (7 heterozygotes, 0 homozygotes). (SP) 0704 - Another downstream truncating variant comparable to the one identified in this case has limited previous evidence for pathogenicity (DECIPHER). (SP) 0801 - This variant has strong previous evidence of pathogenicity in unrelated individuals. This variant has been classified as pathogenic by several clinical laboratories in ClinVar and observed as homozygous in at least four families with anterior segment dysgenesis or primary aphakia (PMIDs: 27218149, 16826526, 32499604, 20361012). (SP) 0901 - This variant has strong evidence for segregation with disease. This variant has been seen to segregate in several large families in a homozygous state (PMIDs: 27218149, 16826526, 20361012). (SP) 1002 - This variant has moderate functional evidence supporting abnormal protein function. This variant has been show to disrupt the binding of FOXE3 with DNAJB1 leading to reduced expression of the latter (PMID: 27218149). (SP) 1208 - Inheritance information for this variant is not currently available in this individual. (I) Legend: (SP) - Supporting pathogenic, (I) - Information, (SB) - Supporting benign

Blueprint Genetics
Classification: Pathogenic for FOXE3-related disorders. Last evaluated: 2022-02-28. Review status: criteria provided, single submitter. Criteria: ACMG Guidelines, 2015. Collection method: clinical testing. Allele origin: germline. Affected: yes. Observed: 5 variant alleles.

3billion
Classification: Pathogenic for Congenital primary aphakia. Last evaluated: 2022-01-03. Review status: criteria provided, single submitter. Criteria: ACMG Guidelines, 2015. Collection method: clinical testing. Allele origin: germline. Affected: yes. Observed: 1 homozygote.
Comment: Stop-gained (nonsense): predicted to result in a loss or disruption of normal protein function through protein truncation. The predicted truncated protein may be shortened by more than 10% (PVS1_S). The variant has been reported to be associated with FOXE3 related disorder (ClinVar ID: VCV000008448).The variant was co-segregated with Anterior segment dysgenesis 2, multiple subtypes in multiple affected family members (PMID: 16826526, 32499604, 20361012) (PP1_S). It is observed at an extremely low frequency in the gnomAD v2.1.1 dataset (total allele frequency: 0.000162, PM2_M). Therefore, this variant is classified as pathogenic according to the recommendation of ACMG/AMP guideline.

Genomics, Genetics and Epigenetics Laboratory, Medical College of Wisconsin
Classification: Pathogenic for Congenital primary aphakia. Last evaluated: 2021-05-01. Review status: no assertion criteria provided. Collection method: research. Allele origin: germline. Affected: yes. Not counted in ClinVar's aggregate classification.

Eye Genetics Research Group, Children's Medical Research Institute
Classification: Pathogenic for Anterior segment dysgenesis. Last evaluated: 2020-03-31. Review status: no assertion criteria provided. Collection method: clinical testing. Allele origin: inherited. Affected: yes. Not counted in ClinVar's aggregate classification.

OMIM
Classification: Pathogenic for ANTERIOR SEGMENT DYSGENESIS 2, APHAKIA SUBTYPE. Last evaluated: 2006-08-01. Review status: no assertion criteria provided. Collection method: literature only. Allele origin: germline. Not counted in ClinVar's aggregate classification.

Literature cited by the submitters: PubMed 24033328 (cited by Genetics Department, University Hospital of Toulouse); PubMed 34046667 (cited by Variantyx, Inc. and Genomics, Genetics and Epigenetics Laboratory, Medical College of Wisconsin); PubMed 27218149 (cited by Variantyx, Inc. and Victorian Clinical Genetics Services, Murdoch Childrens Research Institute); PubMed 16826526 (cited by 4 submitters); PubMed 32499604 (cited by 4 submitters); PubMed 20361012 (cited by 4 submitters); PubMed 20301299 (cited by Victorian Clinical Genetics Services, Murdoch Childrens Research Institute).

NM_012186.3(FOXE3):c.720C>A (p.Cys240Ter)

Genes: FOXE3 (forkhead box E3; plus strand), LINC01389 (long independently transcribed non-coding RNA 1389; minus strand). Cytogenetic location: 1p33.
Variant type: single nucleotide variant.
Coding change: c.720C>A on transcript NM_012186.3 (MANE Select); coding-DNA position 720, C replaced by A.
Protein change: p.Cys240Ter; replaces cysteine 240 with a stop codon.
Molecular consequence: nonsense.
Genome position (GRCh38, 1-based): chr1:47,417,035, C>A. VCF-style: chr1-47417035-C-A. GRCh37 (hg19) VCF-style: chr1-47882707-C-A.
Other names: short protein forms C240*.
Identifiers: ClinVar variation 8448 (VCV000008448.40), dbSNP rs80358194, ClinGen allele CA119630.
Genomic context (GRCh38, chr1:47,417,035, plus strand): 5'-CAGCCTGGTGAACCTGCAGCCGGAGCTAGCGGGGCTGGGCGCCCCCGAGCCGCCCTGCTG[C>A]GCCGCGCCCGACGCCGCAGCCGCAGCCTTCCCGCCCTGCGCTGCCGCCGCCTCCCCGCCA-3'